The following is an entry in ClinVar:

NM_001127222.2(CACNA1A):c.5758G>A (p.Ala1920Thr)

Gene: CACNA1A (calcium voltage-gated channel subunit alpha1 A; minus strand). Cytogenetic location: 19p13.13.
Variant type: single nucleotide variant.
Coding change: c.5758G>A on transcript NM_001127222.2 (MANE Select); coding-DNA position 5758, G replaced by A.
Protein change: p.Ala1920Thr; replaces alanine 1920 with threonine.
Molecular consequence: missense variant.
Genome position (GRCh38, 1-based): chr19:13,214,582, C>T on the plus strand (G>A on the coding strand, the complement: CACNA1A is on the minus strand). VCF-style: chr19-13214582-C-T. GRCh37 (hg19) VCF-style: chr19-13325396-C-T.
Other names: c.5776G>A, p.Ala1926Thr (NM_000068.4, NM_023035.3); c.5761G>A, p.Ala1921Thr (NM_001127221.2); c.5767G>A, p.Ala1923Thr (NM_001174080.2); short protein forms A1920T, A1921T, A1923T, A1926T.
Identifiers: ClinVar variation 845862 (VCV000845862.10), dbSNP rs766012999, ClinGen allele CA9239593.

ClinVar aggregate classification (germline): Uncertain significance (1 of 4 stars; one submission).

Conditions:
Episodic ataxia type 2 (EA2). Also called: ACETAZOLAMIDE-RESPONSIVE HEREDITARY PAROXYSMAL CEREBELLAR ATAXIA; ATAXIA, EPISODIC, WITH NYSTAGMUS; ATAXIA, FAMILIAL PAROXYSMAL; CEREBELLAR ATAXIA, PAROXYSMAL, ACETAZOLAMIDE-RESPONSIVE; CEREBELLOPATHY, HEREDITARY PAROXYSMAL; EPISODIC ATAXIA, NYSTAGMUS-ASSOCIATED. Identifiers: Orphanet 97, MedGen C1720416, MONDO:0007163, OMIM 108500.
Developmental and epileptic encephalopathy, 42 (DEE42A). Also called: DEVELOPMENTAL AND EPILEPTIC ENCEPHALOPATHY 42A; EPILEPTIC ENCEPHALOPATHY, EARLY INFANTILE, 42A; Epileptic encephalopathy, early infantile, 42. Identifiers: MedGen C4310716, MONDO:0014917, OMIM 617106.

Allele frequency attached by ClinVar (database versions not stated): gnomAD exomes below 0.00001; ExAC 0.00001; TOPMed 0.00001; gnomAD 0.00002.
gnomAD v4.1: 8 of 1,613,742 alleles (0.0005%); highest among the groups gnomAD compares: Non-Finnish European, 0.00068%; no homozygotes.

Submission:

Labcorp Genetics (formerly Invitae), Labcorp
Classification: Uncertain significance for Developmental and epileptic encephalopathy, 42; Episodic ataxia type 2. Last evaluated: 2026-01-29. Review status: criteria provided, single submitter. Criteria: Invitae Variant Classification Sherloc (09022015). Collection method: clinical testing. Allele origin: germline.
Comment: This sequence change replaces alanine, which is neutral and non-polar, with threonine, which is neutral and polar, at codon 1921 of the CACNA1A protein (p.Ala1921Thr). This variant is present in population databases (rs766012999, gnomAD 0.0009%). This variant has not been reported in the literature in individuals affected with CACNA1A-related conditions. ClinVar contains an entry for this variant (Variation ID: 845862). Invitae Evidence Modeling of protein sequence and biophysical properties (such as structural, functional, and spatial information, amino acid conservation, physicochemical variation, residue mobility, and thermodynamic stability) indicates that this missense variant is not expected to disrupt CACNA1A protein function with a negative predictive value of 95%. In summary, the available evidence is currently insufficient to determine the role of this variant in disease. Therefore, it has been classified as a Variant of Uncertain Significance.